The following is an entry in ClinVar:

NM_005733.3(KIF20A):c.232G>A (p.Glu78Lys)

Gene: KIF20A (kinesin family member 20A; plus strand). Cytogenetic location: 5q31.2.
Variant type: single nucleotide variant.
Coding change: c.232G>A on transcript NM_005733.3 (MANE Select); coding-DNA position 232, G replaced by A.
Protein change: p.Glu78Lys; replaces glutamic acid 78 with lysine.
Molecular consequence: missense variant.
Genome position (GRCh38, 1-based): chr5:138,181,488, G>A. VCF-style: chr5-138181488-G-A. GRCh37 (hg19) VCF-style: chr5-137517177-G-A.
Other names: short protein forms E78K.
Identifiers: ClinVar variation 4752500 (VCV004752500.1).

ClinVar aggregate classification (germline): Uncertain significance (1 of 4 stars; one submission).

gnomAD v4.1: 197 of 1,614,244 alleles (0.012%); highest among the groups gnomAD compares: East Asian, 0.44%; 1 homozygote.

Submission:

Labcorp Genetics (formerly Invitae), Labcorp
Classification: Uncertain significance. Last evaluated: 2025-11-09. Review status: criteria provided, single submitter. Criteria: Invitae Variant Classification Sherloc (09022015). Collection method: clinical testing. Allele origin: germline.
Comment: This sequence change replaces glutamic acid, which is acidic and polar, with lysine, which is basic and polar, at codon 78 of the KIF20A protein (p.Glu78Lys). This variant is present in population databases (rs76413256, gnomAD 0.1%), and has an allele count higher than expected for a pathogenic variant. This variant has not been reported in the literature in individuals affected with KIF20A-related conditions. An algorithm developed to predict the effect of missense changes on protein structure and function (PolyPhen-2) suggests that this variant is likely to be disruptive. In summary, the available evidence is currently insufficient to determine the role of this variant in disease. Therefore, it has been classified as a Variant of Uncertain Significance.